The following is an entry in ClinVar:

ClinVar aggregate classification (germline): Likely benign (1 of 4 stars; one submission).

Allele frequency attached by ClinVar (database versions not stated): gnomAD exomes 0.00022; ExAC 0.00055; gnomAD 0.00086; TOPMed 0.00096; ESP Exome Variant Server 0.00097; 1000 Genomes Project 0.00160; 1000 Genomes Project 30x 0.00172.
gnomAD v4.1: 469 of 1,614,082 alleles (0.029%); highest among the groups gnomAD compares: African/African-American, 0.25%; 2 homozygotes.

Submission:

CeGaT Center for Human Genetics Tuebingen
Classification: Likely benign. Last evaluated: 2023-08-01. Review status: criteria provided, single submitter. Criteria: CeGaT Center For Human Genetics Tuebingen Variant Classification Criteria Version 2. Collection method: clinical testing. Allele origin: germline. Affected: yes. Observed: 1 variant allele.
Comment: HP: BP4, BP7

NM_005143.5(HP):c.1005T>C (p.Asn335=)

Gene: HP (haptoglobin; plus strand). Cytogenetic location: 16q22.2.
Variant type: single nucleotide variant.
Coding change: c.1005T>C on transcript NM_005143.5 (MANE Select); coding-DNA position 1005, T replaced by C.
Protein change: p.Asn335=; no amino-acid change (asparagine 335 retained).
Molecular consequence: synonymous variant.
Genome position (GRCh38, 1-based): chr16:72,060,674, T>C. VCF-style: chr16-72060674-T-C. GRCh37 (hg19) VCF-style: chr16-72094573-T-C.
Other names: c.828T>C, p.Asn276= (NM_001126102.3, NM_001318138.2).
Identifiers: ClinVar variation 2646805 (VCV002646805.24), dbSNP rs111837860, ClinGen allele CA8159245.